The following is an entry in ClinVar:

NM_017934.7(PHIP):c.2305C>T (p.Pro769Ser)

Gene: PHIP (PHIP subunit of CUL4-Ring ligase complex; minus strand). Cytogenetic location: 6q14.1.
Variant type: single nucleotide variant.
Coding change: c.2305C>T on transcript NM_017934.7 (MANE Select); coding-DNA position 2305, C replaced by T.
Protein change: p.Pro769Ser; replaces proline 769 with serine.
Molecular consequence: missense variant.
Genome position (GRCh38, 1-based): chr6:78,990,882, G>A on the plus strand (C>T on the coding strand, the complement: PHIP is on the minus strand). VCF-style: chr6-78990882-G-A. GRCh37 (hg19) VCF-style: chr6-79700599-G-A.
Other names: short protein forms P769S.
Identifiers: ClinVar variation 4986774 (VCV004986774.1).

ClinVar aggregate classification (germline): Uncertain significance (1 of 4 stars; one submission).

Conditions:
PHIP-related disorder. Also called: PHIP-related disorders; PHIP-related condition.

gnomAD v4.1: 4 of 1,562,700 alleles (0.00026%); highest among the groups gnomAD compares: African/African-American, 0.0054%; no homozygotes.

Submission:

PreventionGenetics, part of Exact Sciences
Classification: Uncertain significance for PHIP-related condition. Last evaluated: 2025-03-17. Review status: criteria provided, single submitter. Criteria: ACMG Guidelines, 2015. Collection method: clinical testing. Allele origin: germline.
Comment: The PHIP c.2305C>T variant is predicted to result in the amino acid substitution p.Pro769Ser. To our knowledge, this variant has not been reported in the literature. This variant is reported in 0.0063% of alleles in individuals of African descent in gnomAD. At this time, the clinical significance of this variant is uncertain due to the absence of conclusive functional and genetic evidence.